The following is an entry in ClinVar:

ClinVar aggregate classification (germline): Pathogenic. Review status: reviewed by expert panel (3 of 4 stars). 3 submissions from 3 submitters: Pathogenic (1). 2 of the submissions do not count toward it. Last evaluated 2016-09-08.

Conditions:
Hereditary cancer-predisposing syndrome. Also called: Neoplastic Syndromes, Hereditary; Hereditary Cancer Syndrome; Hereditary neoplastic syndrome; Tumor predisposition. Identifiers: Orphanet 140162, MedGen C0027672, MeSH D009386, MONDO:0015356.
Hereditary breast ovarian cancer syndrome. Also called: Hereditary breast and ovarian cancer syndrome; Hereditary breast and/or ovarian cancer syndrome; BRCA1- and BRCA2-Associated Hereditary Breast and Ovarian Cancer; Hereditary breast and ovarian cancer; Breast and ovarian cancer; Hereditary breast and ovarian cancer syndrome (HBOC). Identifiers: Orphanet 145, MedGen C0677776, MeSH D061325, MONDO:0003582. Disease mechanism: loss of function.
Breast-ovarian cancer, familial, susceptibility to, 2 (BROVCA2). Also called: BRCA2 Hereditary Breast and Ovarian Cancer. Identifiers: Orphanet 145, MedGen C2675520, MONDO:0012933, OMIM 612555. Disease mechanism: loss of function.

Submissions (3):

Evidence-based Network for the Interpretation of Germline Mutant Alleles (ENIGMA)
Classification: Pathogenic for Breast-ovarian cancer, familial, susceptibility to, 2. Last evaluated: 2016-09-08. Review status: reviewed by expert panel. Criteria: ENIGMA BRCA1/2 Classification Criteria (2015). Collection method: curation. Allele origin: germline.
Comment: Variant allele predicted to encode a truncated non-functional protein.

Labcorp Genetics (formerly Invitae), Labcorp
Classification: Pathogenic for Hereditary breast ovarian cancer syndrome. Last evaluated: 2024-04-18. Review status: criteria provided, single submitter. Criteria: Invitae Variant Classification Sherloc (09022015). Collection method: clinical testing. Allele origin: germline. Not counted in ClinVar's aggregate classification.
Comment: This sequence change creates a premature translational stop signal (p.Leu1059Glnfs*7) in the BRCA2 gene. It is expected to result in an absent or disrupted protein product. Loss-of-function variants in BRCA2 are known to be pathogenic (PMID: 20104584). This variant is not present in population databases (gnomAD no frequency). This premature translational stop signal has been observed in individual(s) with clinical features of BRCA2-related conditions (PMID: 21520333). ClinVar contains an entry for this variant (Variation ID: 141799). For these reasons, this variant has been classified as Pathogenic.

Ambry Genetics
Classification: Pathogenic for Hereditary cancer-predisposing syndrome. Last evaluated: 2021-06-25. Review status: criteria provided, single submitter. Criteria: Ambry Variant Classification Scheme 2023. Collection method: clinical testing. Allele origin: germline. Not counted in ClinVar's aggregate classification.
Comment: The c.3176_3177delTG pathogenic mutation, located in coding exon 10 of the BRCA2 gene, results from a deletion of two nucleotides at nucleotide positions 3176 to 3177, causing a translational frameshift with a predicted alternate stop codon (p.L1059Qfs*7). This alteration is expected to result in loss of function by premature protein truncation or nonsense-mediated mRNA decay. As such, this alteration is interpreted as a disease-causing mutation.

Literature cited by the submitters: PubMed 20104584 (cited by Labcorp Genetics (formerly Invitae), Labcorp); PubMed 21520333 (cited by Labcorp Genetics (formerly Invitae), Labcorp).

NM_000059.4(BRCA2):c.3176_3177del (p.Leu1059fs)

Gene: BRCA2 (BRCA2 DNA repair associated; plus strand). Cytogenetic location: 13q13.1.
Variant type: Deletion.
Coding change: c.3176_3177del on transcript NM_000059.4 (MANE Select); coding-DNA positions 3176 to 3177, 2 bases deleted (TG; older notation c.3176_3177delTG).
Protein change: p.Leu1059fs; shifts the reading frame from leucine 1059.
Molecular consequence: frameshift variant.
Genome position (GRCh38, 1-based): chr13:32,337,531-32,337,532, TG deleted. VCF-style (leftmost placement, unchanged base first): chr13-32337530-CTG-C. GRCh37 (hg19) VCF-style: chr13-32911667-CTG-C.
Other names: c.3176_3177delTG (NM_000059.3); short protein forms L1059fs.
Identifiers: ClinVar variation 141799 (VCV000141799.18), dbSNP rs587782022, ClinGen allele CA017476.
Genomic context (GRCh38, chr13:32,337,530, plus strand): 5'-CCTACTAGTTTAGCTTGTGTTGAAATTGTAAATACCTTGGCATTAGATAATCAAAAGAAA[CTG>C]AGCAAGCCTCAGTCAATTAATACTGTATCTGCACATTTACAGAGTAGTGTAGTTGTTTCT-3'